The following is an entry in ClinVar:

NM_005633.4(SOS1):c.1291G>A (p.Gly431Ser)

Gene: SOS1 (SOS Ras/Rac guanine nucleotide exchange factor 1; minus strand). Cytogenetic location: 2p22.1.
Variant type: single nucleotide variant.
Coding change: c.1291G>A on transcript NM_005633.4 (MANE Select); coding-DNA position 1291, G replaced by A.
Protein change: p.Gly431Ser; replaces glycine 431 with serine.
Molecular consequence: missense variant.
Genome position (GRCh38, 1-based): chr2:39,023,137, C>T on the plus strand (G>A on the coding strand, the complement: SOS1 is on the minus strand). VCF-style: chr2-39023137-C-T. GRCh37 (hg19) VCF-style: chr2-39250278-C-T.
Other names: c.1270G>A, p.Gly424Ser (NM_001382394.1); c.1291G>A, p.Gly431Ser (NM_001382395.1); short protein forms G424S, G431S.
Identifiers: ClinVar variation 1163704 (VCV001163704.13), dbSNP rs1223347034, ClinGen allele CA346366508.

ClinVar aggregate classification (germline): Uncertain significance. Review status: criteria provided, multiple submitters, no conflicts (2 of 4 stars). 6 submissions from 5 submitters: Uncertain significance (6). Last evaluated 2025-03-04.

Conditions:
RASopathy. Also called: rasopathies; Noonan spectrum disorder. Identifiers: Orphanet 536391, MedGen C5555857, MONDO:0021060.
Cardiovascular phenotype. Identifiers: MedGen CN230736.
Fibromatosis, gingival, 1 (GINGF1). Identifiers: Orphanet 2024, MedGen C4551558, MONDO:0007609, OMIM 135300.
Noonan syndrome 4 (NS4). Also called: SOS1-Related Noonan Syndrome; NOONAN SYNDROME WITH PIGMENTED VILLONODULAR SYNOVITIS. Identifiers: Orphanet 648, MedGen C1853120, MONDO:0012547, OMIM 610733.

Allele frequency attached by ClinVar (database versions not stated): TOPMed 0.00001.
gnomAD v4.1: 6 of 1,613,106 alleles (0.00037%); highest among the groups gnomAD compares: Non-Finnish European, 0.00051%; no homozygotes.

Submissions (6):

Labcorp Genetics (formerly Invitae), Labcorp
Classification: Uncertain significance for RASopathy. Last evaluated: 2025-03-04. Review status: criteria provided, single submitter. Criteria: Invitae Variant Classification Sherloc (09022015). Collection method: clinical testing. Allele origin: germline.
Comment: This sequence change replaces glycine, which is neutral and non-polar, with serine, which is neutral and polar, at codon 431 of the SOS1 protein (p.Gly431Ser). This variant is not present in population databases (gnomAD no frequency). This variant has not been reported in the literature in individuals affected with SOS1-related conditions. ClinVar contains an entry for this variant (Variation ID: 1163704). Invitae Evidence Modeling of protein sequence and biophysical properties (such as structural, functional, and spatial information, amino acid conservation, physicochemical variation, residue mobility, and thermodynamic stability) has been performed for this missense variant. However, the output from this modeling did not meet the statistical confidence thresholds required to predict the impact of this variant on SOS1 protein function. In summary, the available evidence is currently insufficient to determine the role of this variant in disease. Therefore, it has been classified as a Variant of Uncertain Significance.

Ambry Genetics
Classification: Uncertain significance for Cardiovascular phenotype. Last evaluated: 2025-01-10. Review status: criteria provided, single submitter. Criteria: Ambry Variant Classification Scheme 2023. Collection method: clinical testing. Allele origin: germline.
Comment: The p.G431S variant (also known as c.1291G>A), located in coding exon 10 of the SOS1 gene, results from a G to A substitution at nucleotide position 1291. The glycine at codon 431 is replaced by serine, an amino acid with similar properties. This amino acid position is conserved. In addition, the in silico prediction for this alteration is inconclusive. Based on the available evidence, the clinical significance of this variant remains unclear.

Blueprint Genetics
Classification: Uncertain significance. Last evaluated: 2022-07-12. Review status: criteria provided, single submitter. Criteria: ACMG Guidelines, 2015. Collection method: clinical testing. Allele origin: germline.

Mayo Clinic Laboratories, Mayo Clinic
Classification: Uncertain significance. Last evaluated: 2021-01-08. Review status: criteria provided, single submitter. Criteria: ACMG Guidelines, 2015. Collection method: clinical testing. Allele origin: germline. Observed: 1 variant allele.

Genome-Nilou Lab
Classification: Uncertain significance for Noonan syndrome 4. Review status: criteria provided, single submitter. Criteria: ACMG Guidelines, 2015. Collection method: clinical testing. Allele origin: germline.

Genome-Nilou Lab
Classification: Uncertain significance for Fibromatosis, gingival, 1. Review status: criteria provided, single submitter. Criteria: ACMG Guidelines, 2015. Collection method: clinical testing. Allele origin: germline.